The following is an entry in ClinVar:

NM_001375405.1(CEP120):c.196C>T (p.His66Tyr)

Gene: CEP120 (centrosomal protein 120; minus strand). Cytogenetic location: 5q23.2.
Variant type: single nucleotide variant.
Coding change: c.196C>T on transcript NM_001375405.1 (MANE Select); coding-DNA position 196, C replaced by T.
Protein change: p.His66Tyr; replaces histidine 66 with tyrosine.
Molecular consequence: missense variant. On other transcripts: 5 prime UTR variant (2), non-coding transcript variant (1).
Genome position (GRCh38, 1-based): chr5:123,418,369, G>A on the plus strand (C>T on the coding strand, the complement: CEP120 is on the minus strand). VCF-style: chr5-123418369-G-A. GRCh37 (hg19) VCF-style: chr5-122754063-G-A.
Other names: c.118C>T, p.His40Tyr (NM_001166226.2); c.196C>T, p.His66Tyr (NM_001375406.1, NM_001375407.1, NM_153223.4); c.-553C>T (NM_001375408.1); c.-495C>T (NM_001375409.1); short protein forms H40Y, H66Y.
Identifiers: ClinVar variation 1343030 (VCV001343030.12), dbSNP rs751682861, ClinGen allele CA3387323.

ClinVar aggregate classification (germline): Conflicting classifications of pathogenicity. Review status: criteria provided, conflicting classifications (1 of 4 stars). 5 submissions from 5 submitters: Uncertain significance (4); Likely benign (1). Last evaluated 2024-09-09.

Conditions:
Short-rib thoracic dysplasia 13 with or without polydactyly (SRTD13). Identifiers: Orphanet 474, MedGen C4225378, MONDO:0014577, OMIM 616300.
Inborn genetic diseases. Identifiers: MedGen C0950123, MeSH D030342.

Allele frequency attached by ClinVar (database versions not stated): ExAC 0.00009; gnomAD exomes 0.00009 and 0.00015; gnomAD 0.00014 and 0.00017; TOPMed 0.00018.
gnomAD v4.1: 150 of 1,601,032 alleles (0.0094%); highest among the groups gnomAD compares: Admixed American, 0.094%; no homozygotes.

Submissions (5):

Blueprint Genetics
Classification: Uncertain significance. Last evaluated: 2024-09-09. Review status: criteria provided, single submitter. Criteria: ACMG Guidelines, 2015. Collection method: clinical testing. Allele origin: germline.

Labcorp Genetics (formerly Invitae), Labcorp
Classification: Uncertain significance for Short-rib thoracic dysplasia 13 with or without polydactyly. Last evaluated: 2023-12-11. Review status: criteria provided, single submitter. Criteria: Invitae Variant Classification Sherloc (09022015). Collection method: clinical testing. Allele origin: germline.
Comment: This sequence change replaces histidine, which is basic and polar, with tyrosine, which is neutral and polar, at codon 66 of the CEP120 protein (p.His66Tyr). This variant is present in population databases (rs751682861, gnomAD 0.09%). This variant has not been reported in the literature in individuals affected with CEP120-related conditions. ClinVar contains an entry for this variant (Variation ID: 1343030). Advanced modeling of protein sequence and biophysical properties (such as structural, functional, and spatial information, amino acid conservation, physicochemical variation, residue mobility, and thermodynamic stability) performed at Invitae indicates that this missense variant is not expected to disrupt CEP120 protein function with a negative predictive value of 80%. In summary, the available evidence is currently insufficient to determine the role of this variant in disease. Therefore, it has been classified as a Variant of Uncertain Significance.

GeneDx
Classification: Uncertain significance. Last evaluated: 2023-08-03. Review status: criteria provided, single submitter. Criteria: GeneDx Variant Classification Process June 2021. Collection method: clinical testing. Allele origin: germline. Affected: yes.
Comment: In silico analysis supports that this missense variant has a deleterious effect on protein structure/function; Has not been previously published as pathogenic or benign to our knowledge

Ambry Genetics
Classification: Likely benign for Inborn genetic diseases. Last evaluated: 2021-10-29. Review status: criteria provided, single submitter. Criteria: Ambry Variant Classification Scheme 2023. Collection method: clinical testing. Allele origin: germline.

Breakthrough Genomics
Classification: Uncertain significance. Review status: criteria provided, single submitter. Criteria: ACMG Guidelines, 2015. Collection method: not provided. Allele origin: germline. Inheritance: Autosomal recessive inheritance. Affected: yes.